The following is an entry in ClinVar:

ClinVar aggregate classification (germline): Uncertain significance. Review status: criteria provided, multiple submitters, no conflicts (2 of 4 stars). 5 submissions from 5 submitters: Uncertain significance (5). Last evaluated 2026-01-12.

Conditions:
Inborn genetic diseases. Identifiers: MedGen C0950123, MeSH D030342.
SIGMAR1-related disorder. Also called: SIGMAR1-related condition.
Amyotrophic lateral sclerosis type 16. Also called: AMYOTROPHIC LATERAL SCLEROSIS 16, JUVENILE. Identifiers: Orphanet 300605, MedGen C3280587, MONDO:0013715, OMIM 614373.
Autosomal recessive distal spinal muscular atrophy 2. Also called: NEUROPATHY, DISTAL HEREDITARY MOTOR, AUTOSOMAL RECESSIVE 2; NEURONOPATHY, DISTAL HEREDITARY MOTOR, JERASH TYPE; NEUROPATHY, DISTAL HEREDITARY MOTOR, JERASH TYPE; SPINAL MUSCULAR ATROPHY, JERASH TYPE; Hereditary motor neuropathy, Jerash type; Motor neuropathy, distal, Jerash type. Identifiers: Orphanet 139552, MedGen C1854023, MONDO:0011585, OMIM 605726.

Allele frequency attached by ClinVar (database versions not stated): 1000 Genomes Project 30x 0.00016; gnomAD exomes 0.00021 and 0.00003; ESP Exome Variant Server 0.00020; TOPMed 0.00012; ExAC below 0.00001; gnomAD 0.00014.

Submissions (5):

PreventionGenetics, part of Exact Sciences
Classification: Uncertain significance for SIGMAR1-related condition. Last evaluated: 2026-01-12. Review status: criteria provided, single submitter. Criteria: ACMG Guidelines, 2015. Collection method: clinical testing. Allele origin: germline.
Comment: The SIGMAR1 c.11C>T variant is predicted to result in the amino acid substitution p.Ala4Val. This variant was reported as a variant of uncertain significance in an individual with distal motor neuropathy (Supp. Table 3, Frasquet et al. 2021. PubMed ID: 33369814). This variant is reported in 0.020% of alleles in individuals of African descent in gnomAD. At this time, the clinical significance of this variant is uncertain due to the absence of conclusive functional and genetic evidence.

Mayo Clinic Laboratories, Mayo Clinic
Classification: Uncertain significance. Last evaluated: 2025-12-09. Review status: criteria provided, single submitter. Criteria: ACMG Guidelines, 2015. Collection method: clinical testing. Allele origin: germline. Observed: 2 variant alleles.

Ambry Genetics
Classification: Uncertain significance for Inborn genetic diseases. Last evaluated: 2025-11-07. Review status: criteria provided, single submitter. Criteria: Ambry Variant Classification Scheme 2023. Collection method: clinical testing. Allele origin: germline.

Labcorp Genetics (formerly Invitae), Labcorp
Classification: Uncertain significance for Autosomal recessive distal spinal muscular atrophy 2; Amyotrophic lateral sclerosis type 16. Last evaluated: 2023-09-24. Review status: criteria provided, single submitter. Criteria: Invitae Variant Classification Sherloc (09022015). Collection method: clinical testing. Allele origin: germline.
Comment: This variant is present in population databases (rs367968662, gnomAD 0.02%). This sequence change replaces alanine, which is neutral and non-polar, with valine, which is neutral and non-polar, at codon 4 of the SIGMAR1 protein (p.Ala4Val). This missense change has been observed in individual(s) with amyotrophic lateral sclerosis (PMID: 33369814). ClinVar contains an entry for this variant (Variation ID: 534262). Algorithms developed to predict the effect of missense changes on protein structure and function output the following: SIFT: "Not Available"; PolyPhen-2: "Benign"; Align-GVGD: "Not Available". The valine amino acid residue is found in multiple mammalian species, which suggests that this missense change does not adversely affect protein function. In summary, the available evidence is currently insufficient to determine the role of this variant in disease. Therefore, it has been classified as a Variant of Uncertain Significance.

Athena Diagnostics
Classification: Uncertain significance. Last evaluated: 2018-11-20. Review status: criteria provided, single submitter. Criteria: Athena Diagnostics Criteria. Collection method: clinical testing. Allele origin: germline.

Literature cited by the submitters: PubMed 33369814 (cited by Mayo Clinic Laboratories, Mayo Clinic and Labcorp Genetics (formerly Invitae), Labcorp).

NM_005866.4(SIGMAR1):c.11C>T (p.Ala4Val)

Genes: SIGMAR1 (sigma receptor chaperone 1; minus strand), LOC130001681 (ATAC-STARR-seq lymphoblastoid silent region 19853; plus strand). Cytogenetic location: 9p13.3.
Variant type: single nucleotide variant.
Coding change: c.11C>T on transcript NM_005866.4 (MANE Select); coding-DNA position 11, C replaced by T.
Protein change: p.Ala4Val; replaces alanine 4 with valine.
Molecular consequence: missense variant. On other transcripts: 5 prime UTR variant (1), non-coding transcript variant (1).
Genome position (GRCh38, 1-based): chr9:34,637,687, G>A on the plus strand (C>T on the coding strand, the complement: SIGMAR1 is on the minus strand). VCF-style: chr9-34637687-G-A. GRCh37 (hg19) VCF-style: chr9-34637684-G-A.
Other names: p.Ala4Val; c.11C>T, p.Ala4Val (NM_001282205.2, NM_001282207.2, NM_001282208.2 and 2 more transcripts); c.-243C>T (NM_001282206.2); short protein forms A4V.
Identifiers: ClinVar variation 534262 (VCV000534262.13), dbSNP rs367968662, ClinGen allele CA5035963.